The following is an entry in ClinVar:

ClinVar aggregate classification (germline): Likely pathogenic (1 of 4 stars; one submission).

Conditions:
Inborn genetic diseases. Identifiers: MedGen C0950123, MeSH D030342.

Submission:

Ambry Genetics
Classification: Likely pathogenic for Inborn genetic diseases. Last evaluated: 2026-07-30. Review status: criteria provided, single submitter. Criteria: Ambry Variant Classification Scheme 2023. Collection method: clinical testing. Allele origin: germline.
Comment: The c.2336T>C (p.L779P) alteration is located in exon 14 (coding exon 13) of the POLG gene. This alteration results from a T to C substitution at nucleotide position 2336, causing the leucine (L) at amino acid position 779 to be replaced by a proline (P). for autosomal recessive POLG-related mitochondrial disorders; however, its clinical significance for autosomal dominant POLG-related progressive external ophthalmoplegia is uncertain This variant was not reported in population-based cohorts in the Genome Aggregation Database (gnomAD). This amino acid position is highly conserved in available vertebrate species. This alteration is predicted to be deleterious by in silico analysis. Based on the available evidence, this alteration is classified as likely pathogenic.

NM_002693.3(POLG):c.2336T>C (p.Leu779Pro)

Gene: POLG (DNA polymerase gamma, catalytic subunit; minus strand). Cytogenetic location: 15q26.1.
Variant type: single nucleotide variant.
Coding change: c.2336T>C on transcript NM_002693.3 (MANE Select); coding-DNA position 2336, T replaced by C.
Protein change: p.Leu779Pro; replaces leucine 779 with proline.
Molecular consequence: missense variant.
Genome position (GRCh38, 1-based): chr15:89,322,832, A>G on the plus strand (T>C on the coding strand, the complement: POLG is on the minus strand). VCF-style: chr15-89322832-A-G. GRCh37 (hg19) VCF-style: chr15-89866063-A-G.
Other names: c.2336T>C, p.Leu779Pro (NM_001126131.2); short protein forms L779P.
Identifiers: ClinVar variation 3781620 (VCV003781620.2).